The following is an entry in ClinVar:

ClinVar aggregate classification (germline): Uncertain significance (1 of 4 stars; one submission).

Conditions:
IFT172-related disorder. Also called: IFT172-related condition; IFT172-related disorders.

gnomAD v4.1: 3 of 1,613,702 alleles (0.00019%); highest among the groups gnomAD compares: African/African-American, 0.004%; no homozygotes.

Submission:

PreventionGenetics, part of Exact Sciences
Classification: Uncertain significance for IFT172-related condition. Last evaluated: 2025-04-28. Review status: criteria provided, single submitter. Criteria: ACMG Guidelines, 2015. Collection method: clinical testing. Allele origin: germline.
Comment: The IFT172 c.1512C>A variant is predicted to result in the amino acid substitution p.Asp504Glu. To our knowledge, this variant has not been reported in the literature or in a large population database (gnomAD), indicating this variant is rare. At this time, the clinical significance of this variant is uncertain due to the absence of conclusive functional and genetic evidence.

NM_015662.3(IFT172):c.1512C>A (p.Asp504Glu)

Gene: IFT172 (intraflagellar transport 172; minus strand). Cytogenetic location: 2p23.3.
Variant type: single nucleotide variant.
Coding change: c.1512C>A on transcript NM_015662.3 (MANE Select); coding-DNA position 1512, C replaced by A.
Protein change: p.Asp504Glu; replaces aspartic acid 504 with glutamic acid.
Molecular consequence: missense variant.
Genome position (GRCh38, 1-based): chr2:27,472,262, G>T on the plus strand (C>A on the coding strand, the complement: IFT172 is on the minus strand). VCF-style: chr2-27472262-G-T. GRCh37 (hg19) VCF-style: chr2-27695129-G-T.
Other names: c.1512C>A, p.Asp504Glu (NM_001410739.1); short protein forms D504E.
Identifiers: ClinVar variation 4999728 (VCV004999728.1).